The following is an entry in ClinVar:

NM_006767.4(LZTR1):c.1348G>C (p.Gly450Arg)

Gene: LZTR1 (leucine zipper like post translational regulator 1; plus strand). Cytogenetic location: 22q11.21.
Variant type: single nucleotide variant.
Coding change: c.1348G>C on transcript NM_006767.4 (MANE Select); coding-DNA position 1348, G replaced by C.
Protein change: p.Gly450Arg; replaces glycine 450 with arginine.
Molecular consequence: missense variant.
Genome position (GRCh38, 1-based): chr22:20,993,749, G>C. VCF-style: chr22-20993749-G-C. GRCh37 (hg19) VCF-style: chr22-21348038-G-C.
Other names: short protein forms G450R.
Identifiers: ClinVar variation 1770529 (VCV001770529.3), dbSNP rs1924689825, ClinGen allele CA410774768.

ClinVar aggregate classification (germline): Uncertain significance. Review status: criteria provided, multiple submitters, no conflicts (2 of 4 stars). 2 submissions from 2 submitters: Uncertain significance (2). Last evaluated 2024-05-03.

Conditions:
Cardiovascular phenotype. Identifiers: MedGen CN230736.
Hereditary cancer-predisposing syndrome. Also called: Hereditary Cancer Syndrome; Hereditary neoplastic syndrome; Neoplastic Syndromes, Hereditary; Tumor predisposition. Identifiers: Orphanet 140162, MedGen C0027672, MeSH D009386, MONDO:0015356.

gnomAD v4.1: 1 of 1,612,442 alleles (0.000062%); highest among the groups gnomAD compares: Non-Finnish European, 0.000085%; no homozygotes.

Submissions (2):

GeneDx
Classification: Uncertain significance. Last evaluated: 2024-05-03. Review status: criteria provided, single submitter. Criteria: GeneDx Variant Classification Process June 2021. Collection method: clinical testing. Allele origin: germline. Affected: yes.
Comment: Not observed at significant frequency in large population cohorts (gnomAD); In silico analysis supports that this missense variant has a deleterious effect on protein structure/function; Has not been previously published as pathogenic or benign to our knowledge

Ambry Genetics
Classification: Uncertain significance for Cardiovascular phenotype; Hereditary cancer-predisposing syndrome. Last evaluated: 2021-05-26. Review status: criteria provided, single submitter. Criteria: Ambry Variant Classification Scheme 2023. Collection method: clinical testing. Allele origin: germline.
Comment: The p.G450R variant (also known as c.1348G>C), located in coding exon 12 of the LZTR1 gene, results from a G to C substitution at nucleotide position 1348. The glycine at codon 450 is replaced by arginine, an amino acid with dissimilar properties. This amino acid position is highly conserved in available vertebrate species. In addition, the in silico prediction for this alteration is inconclusive. Since supporting evidence is limited at this time, the clinical significance of this alteration remains unclear.